The following is an entry in ClinVar:

NM_000263.4(NAGLU):c.2137dup (p.Gln713fs)

Gene: NAGLU (N-acetyl-alpha-glucosaminidase; plus strand). Cytogenetic location: 17q21.2.
Variant type: Duplication.
Coding change: c.2137dup on transcript NM_000263.4 (MANE Select); coding-DNA position 2137, one base duplicated (C; older notation c.2137dupC).
Protein change: p.Gln713fs; shifts the reading frame from glutamine 713.
Molecular consequence: frameshift variant.
Genome position (GRCh38, 1-based): chr17:42,544,143, C duplicated. VCF-style (leftmost placement, unchanged base first): chr17-42544142-G-GC. GRCh37 (hg19) VCF-style: chr17-40696160-G-GC.
Other names: c.2137dup (NM_000263.3); short protein forms Q713fs.
Identifiers: ClinVar variation 2112262 (VCV002112262.5), dbSNP rs2510661067, ClinGen allele CA2576276095.

ClinVar aggregate classification (germline): Conflicting classifications of pathogenicity. Review status: criteria provided, conflicting classifications (1 of 4 stars). 2 submissions from 2 submitters: Likely pathogenic (1); Uncertain significance (1). Last evaluated 2024-09-05.

Conditions:
Charcot-Marie-Tooth disease axonal type 2V. Also called: CHARCOT-MARIE-TOOTH NEUROPATHY, TYPE 2V; CHARCOT-MARIE-TOOTH DISEASE, AXONAL, AUTOSOMAL DOMINANT, TYPE 2V. Identifiers: Orphanet 447964, MedGen C5569050, MONDO:0014665, OMIM 616491.
Mucopolysaccharidosis, MPS-III-B (MPS3B). Also called: N-ACETYL-ALPHA-D-GLUCOSAMINIDASE DEFICIENCY; NAGLU DEFICIENCY; SANFILIPPO SYNDROME B; MPS III B; MUCOPOLYSACCHARIDOSIS, TYPE IIIB; MPS IIIB (Sanfilippo Syndrome Type B). Identifiers: Orphanet 79270, MedGen C0086648, MONDO:0009656, OMIM 252920.

Submissions (2):

Natera, Inc.
Classification: Likely pathogenic for Mucopolysaccharidosis type IIIB. Last evaluated: 2024-09-05. Review status: criteria provided, single submitter. Criteria: Natera Variant Classification Schema (03/2026). Collection method: clinical testing. Allele origin: germline.
Comment: The c.2137dup variant in NAGLU is a frameshift variant predicted to elongate the protein beyond the termination codon. This variant is expected to result in nonsense mediated decay, truncation, or a dysfunctional protein product. This variant is rare in the general population with a frequency below the threshold expected for the associated phenotype(s). Given the available evidence, this variant is classified as Likely Pathogenic.

Labcorp Genetics (formerly Invitae), Labcorp
Classification: Uncertain significance for Charcot-Marie-Tooth disease axonal type 2V; Mucopolysaccharidosis, MPS-III-B. Last evaluated: 2022-03-14. Review status: criteria provided, single submitter. Criteria: Invitae Variant Classification Sherloc (09022015). Collection method: clinical testing. Allele origin: germline.
Comment: In summary, the available evidence is currently insufficient to determine the role of this variant in disease. Therefore, it has been classified as a Variant of Uncertain Significance. This variant disrupts a region of the NAGLU protein in which other variant(s) (p.Lys729del) have been observed in individuals with NAGLU-related conditions (PMID: 22976768). This suggests that this is a clinically significant region of the protein, and that variants that disrupt it are likely to be disease-causing. This variant has not been reported in the literature in individuals affected with NAGLU-related conditions. This variant is not present in population databases (gnomAD no frequency). This sequence change results in a frameshift in the NAGLU gene (p.Gln713Profs*44). While this is not anticipated to result in nonsense mediated decay, it is expected to disrupt the last 31 amino acid(s) of the NAGLU protein and extend the protein by 12 additional amino acid residues.

Literature cited by the submitters: PubMed 22976768 (cited by Labcorp Genetics (formerly Invitae), Labcorp).